The following is an entry in ClinVar:

NM_020631.6(PLEKHG5):c.783C>T (p.Ser261=)

Gene: PLEKHG5 (pleckstrin homology and RhoGEF domain containing G5; minus strand). Cytogenetic location: 1p36.31.
Variant type: single nucleotide variant.
Coding change: c.783C>T on transcript NM_020631.6 (MANE Select); coding-DNA position 783, C replaced by T.
Protein change: p.Ser261=; no amino-acid change (serine 261 retained).
Molecular consequence: synonymous variant.
Genome position (GRCh38, 1-based): chr1:6,473,263, G>A on the plus strand (C>T on the coding strand, the complement: PLEKHG5 is on the minus strand). VCF-style: chr1-6473263-G-A. GRCh37 (hg19) VCF-style: chr1-6533323-G-A.
Other names: c.894C>T, p.Ser298= (NM_001042663.3, NM_001265592.2); c.783C>T, p.Ser261= (NM_001042664.2, NM_001042665.2, NM_001265594.3 and 1 more transcripts); c.990C>T, p.Ser330= (NM_001265593.2).
Identifiers: ClinVar variation 384827 (VCV000384827.16), dbSNP rs61738905, ClinGen allele CA561758.

ClinVar aggregate classification (germline): Likely benign. Review status: criteria provided, multiple submitters, no conflicts (2 of 4 stars). 4 submissions from 4 submitters: Likely benign (4). Last evaluated 2025-08-20.

Conditions:
PLEKHG5-related disorder. Also called: PLEKHG5-related condition.
Inborn genetic diseases. Identifiers: MedGen C0950123, MeSH D030342.
Charcot-Marie-Tooth disease recessive intermediate C. Also called: CHARCOT-MARIE-TOOTH NEUROPATHY, RECESSIVE INTERMEDIATE C. Identifiers: Orphanet 369867, MedGen C3809309, MONDO:0014154, OMIM 615376.
Neuronopathy, distal hereditary motor, autosomal recessive 4. Also called: Autosomal recessive lower motor neuron disease with childhood onset; NEUROPATHY, DISTAL HEREDITARY MOTOR, AUTOSOMAL RECESSIVE 4. Identifiers: Orphanet 206580, MedGen C1970211, MONDO:0012608, OMIM 611067.

Allele frequency attached by ClinVar (database versions not stated): 1000 Genomes Project 0.00040; 1000 Genomes Project 30x 0.00047; gnomAD exomes 0.00003 and 0.00008; ExAC 0.00015; ESP Exome Variant Server 0.00015; gnomAD 0.00016; TOPMed 0.00029.
gnomAD v4.1: 86 of 1,609,374 alleles (0.0053%); highest among the groups gnomAD compares: African/African-American, 0.076%; no homozygotes.

Submissions (4):

PreventionGenetics, part of Exact Sciences
Classification: Likely benign for PLEKHG5-related condition. Last evaluated: 2025-08-20. Review status: criteria provided, single submitter. Criteria: ACMG Guidelines, 2015. Collection method: clinical testing. Allele origin: germline.
Comment: This variant is classified as likely benign based on ACMG/AMP sequence variant interpretation guidelines (Richards et al. 2015 PMID: 25741868, with internal and published modifications).

Labcorp Genetics (formerly Invitae), Labcorp
Classification: Likely benign for Neuronopathy, distal hereditary motor, autosomal recessive 4; Charcot-Marie-Tooth disease recessive intermediate C. Last evaluated: 2025-06-03. Review status: criteria provided, single submitter. Criteria: Invitae Variant Classification Sherloc (09022015). Collection method: clinical testing. Allele origin: germline.

GeneDx
Classification: Likely benign. Last evaluated: 2021-03-30. Review status: criteria provided, single submitter. Criteria: GeneDx Variant Classification Process June 2021. Collection method: clinical testing. Allele origin: germline. Affected: yes.

Ambry Genetics
Classification: Likely benign for Inborn genetic diseases. Last evaluated: 2019-07-11. Review status: criteria provided, single submitter. Criteria: Ambry Variant Classification Scheme 2023. Collection method: clinical testing. Allele origin: germline.